The following is an entry in ClinVar:

ClinVar aggregate classification (germline): Uncertain significance. Review status: criteria provided, multiple submitters, no conflicts (2 of 4 stars). 2 submissions from 2 submitters: Uncertain significance (2). Last evaluated 2025-11-30.

Submissions (2):

Dasa
Classification: Uncertain significance. Last evaluated: 2025-11-30. Review status: criteria provided, single submitter. Criteria: DASA Assertion Criteria. Collection method: clinical testing. Allele origin: germline.
Comment: NM_006231.4(POLE):c.3635T>C (p.Met1212Thr) is a missense variant that results in the substitution of methionine with threonine. This variant is absent from population databases. The currently available literature and clinical evidence are not sufficient to establish a definitive association between this variant and the reported condition. Therefore, this variant is classified as a variant of uncertain significance.

Labcorp Genetics (formerly Invitae), Labcorp
Classification: Uncertain significance. Last evaluated: 2025-01-07. Review status: criteria provided, single submitter. Criteria: Invitae Variant Classification Sherloc (09022015). Collection method: clinical testing. Allele origin: germline.
Comment: This sequence change replaces methionine, which is neutral and non-polar, with threonine, which is neutral and polar, at codon 1212 of the POLE protein (p.Met1212Thr). This variant is not present in population databases (gnomAD no frequency). This variant has not been reported in the literature in individuals affected with POLE-related conditions. ClinVar contains an entry for this variant (Variation ID: 566770). Invitae Evidence Modeling of protein sequence and biophysical properties (such as structural, functional, and spatial information, amino acid conservation, physicochemical variation, residue mobility, and thermodynamic stability) indicates that this missense variant is not expected to disrupt POLE protein function with a negative predictive value of 80%. In summary, the available evidence is currently insufficient to determine the role of this variant in disease. Therefore, it has been classified as a Variant of Uncertain Significance.

NM_006231.4(POLE):c.3635T>C (p.Met1212Thr)

Gene: POLE (DNA polymerase epsilon, catalytic subunit; minus strand). Cytogenetic location: 12q24.33.
Variant type: single nucleotide variant.
Coding change: c.3635T>C on transcript NM_006231.4 (MANE Select); coding-DNA position 3635, T replaced by C.
Protein change: p.Met1212Thr; replaces methionine 1212 with threonine.
Molecular consequence: missense variant.
Genome position (GRCh38, 1-based): chr12:132,649,837, A>G on the plus strand (T>C on the coding strand, the complement: POLE is on the minus strand). VCF-style: chr12-132649837-A-G. GRCh37 (hg19) VCF-style: chr12-133226423-A-G.
Other names: short protein forms M1212T.
Identifiers: ClinVar variation 566770 (VCV000566770.8), dbSNP rs1565946781, ClinGen allele CA387386891.